The following is an entry in ClinVar:

NM_174936.4(PCSK9):c.367C>T (p.Leu123=)

Gene: PCSK9 (proprotein convertase subtilisin/kexin type 9; plus strand). Cytogenetic location: 1p32.3.
Variant type: single nucleotide variant.
Coding change: c.367C>T on transcript NM_174936.4 (MANE Select); coding-DNA position 367, C replaced by T.
Protein change: p.Leu123=; no amino-acid change (leucine 123 retained).
Molecular consequence: synonymous variant. On other transcripts: 5 prime UTR variant (1), non-coding transcript variant (6), intron variant (1).
Genome position (GRCh38, 1-based): chr1:55,044,002, C>T. VCF-style: chr1-55044002-C-T. GRCh37 (hg19) VCF-style: chr1-55509675-C-T.
Other names: c.490C>T, p.Leu164= (NM_001407240.1); c.367C>T, p.Leu123= (NM_001407241.1, NM_001407242.1, NM_001407243.1 and 2 more transcripts); c.-9C>T (NM_001407246.1); c.208-2521C>T (NM_001407245.1).
Identifiers: ClinVar variation 3075526 (VCV003075526.2), dbSNP rs2523184514, ClinGen allele CA417957571.

ClinVar aggregate classification (germline): Likely benign. Review status: criteria provided, multiple submitters, no conflicts (2 of 4 stars). 2 submissions from 2 submitters: Likely benign (2). Last evaluated 2025-01-09.

Conditions:
Hypercholesterolemia, autosomal dominant, 3 (FHCL3). Also called: Familial Hypercholesterolemia, Autosomal Dominant, 3; PCSK9-Related Familial Hypercholesterolemia, Autosomal Dominant; Familial hypercholesterolemia 3. Identifiers: MedGen C1863551, MONDO:0011369, OMIM 603776.
Familial hypercholesterolemia. Also called: Familial hypercholesterolaemia; Familial hypercholesterolemias. Identifiers: MedGen C0020445, MONDO:0005439.

Allele frequency attached by ClinVar (database versions not stated): gnomAD exomes below 0.00001.

Submissions (2):

GENinCode PLC
Classification: Likely benign for Familial hypercholesterolemia. Last evaluated: 2025-01-09. Review status: criteria provided, single submitter. Criteria: ACMG Guidelines, 2015. Collection method: clinical testing. Allele origin: germline.
Comment: This is a synonymous (silent) variant that is not predicted to impact splicing and occurs at a nucleotide which is not highly conserved. This variant has been classified as Likely Benign (BP4, BP7).

All of Us Research Program, National Institutes of Health
Classification: Likely benign for Hypercholesterolemia, autosomal dominant, 3. Last evaluated: 2023-06-26. Review status: criteria provided, single submitter. Criteria: ACMG Guidelines, 2015. Collection method: clinical testing. Allele origin: germline. Inheritance: Autosomal dominant inheritance. Observed: 1 variant allele, 1 heterozygote.
Comment: This study involves interpretation of variants in research participants for the purpose of population health screening. Participant phenotype was not available at the time of variant classification. Additional details can be found in publication PMID: 35346344, PMCID: PMC8962531